The following is an entry in ClinVar:

ClinVar aggregate classification (germline): Benign/Likely benign. Review status: criteria provided, multiple submitters, no conflicts (2 of 4 stars). 5 submissions from 5 submitters: Benign (1); Likely benign (3). 1 of the submissions does not count toward it. Last evaluated 2026-04-21.

Conditions:
DICER1-related disorder. Also called: DICER1-related condition.
DICER1-related tumor predisposition. Also called: DICER1-related pleuropulmonary blastoma cancer predisposition syndrome; DICER1 syndrome. Identifiers: Orphanet 284343, MedGen C3839822, MONDO:0100216.
Hereditary cancer-predisposing syndrome. Also called: Hereditary neoplastic syndrome; Neoplastic Syndromes, Hereditary; Hereditary Cancer Syndrome; Tumor predisposition. Identifiers: Orphanet 140162, MedGen C0027672, MeSH D009386, MONDO:0015356.

Allele frequency attached by ClinVar (database versions not stated): gnomAD 0.00001; gnomAD exomes 0.00001 and below 0.00001; ExAC 0.00002; TOPMed 0.00001.
gnomAD v4.1: 7 of 1,614,016 alleles (0.00043%); highest among the groups gnomAD compares: African/African-American, 0.0013%; no homozygotes.

Submissions (5):

Myriad Genetics, Inc.
Classification: Benign for DICER1-related tumor predisposition. Last evaluated: 2026-04-21. Review status: criteria provided, single submitter. Criteria: Myriad Autosomal Dominant, Autosomal Recessive and X-Linked Classification Criteria (2023). Collection method: clinical testing. Allele origin: unknown.
Comment: This variant is considered benign. This variant is a silent/synonymous amino acid change and it is not expected to impact splicing.

Labcorp Genetics (formerly Invitae), Labcorp
Classification: Likely benign for DICER1-related tumor predisposition. Last evaluated: 2025-12-10. Review status: criteria provided, single submitter. Criteria: Invitae Variant Classification Sherloc (09022015). Collection method: clinical testing. Allele origin: germline.

Genetic Services Laboratory, University of Chicago
Classification: Likely benign. Last evaluated: 2021-12-22. Review status: criteria provided, single submitter. Criteria: ACMG Guidelines, 2015. Collection method: clinical testing. Allele origin: germline. Affected: no.

Ambry Genetics
Classification: Likely benign for Hereditary cancer-predisposing syndrome. Last evaluated: 2017-08-11. Review status: criteria provided, single submitter. Criteria: Ambry Variant Classification Scheme 2023. Collection method: clinical testing. Allele origin: germline.

PreventionGenetics, part of Exact Sciences
Classification: Likely benign for DICER1-related condition. Last evaluated: 2023-03-15. Review status: no assertion criteria provided. Collection method: clinical testing. Allele origin: germline. Not counted in ClinVar's aggregate classification.
Comment: This variant is classified as likely benign based on ACMG/AMP sequence variant interpretation guidelines (Richards et al. 2015 PMID: 25741868, with internal and published modifications).

NM_177438.3(DICER1):c.5388A>G (p.Glu1796=)

Gene: DICER1 (dicer 1, ribonuclease III; minus strand). Cytogenetic location: 14q32.13.
Variant type: single nucleotide variant.
Coding change: c.5388A>G on transcript NM_177438.3 (MANE Select); coding-DNA position 5388, A replaced by G.
Protein change: p.Glu1796=; no amino-acid change (glutamic acid 1796 retained).
Molecular consequence: synonymous variant. On other transcripts: intron variant (1).
Genome position (GRCh38, 1-based): chr14:95,091,342, T>C on the plus strand (A>G on the coding strand, the complement: DICER1 is on the minus strand). VCF-style: chr14-95091342-T-C. GRCh37 (hg19) VCF-style: chr14-95557679-T-C.
Other names: c.5388A>G, p.Glu1796= (NM_001271282.3, NM_001291628.2, NM_030621.4); c.5365-233A>G (NM_001195573.1).
Identifiers: ClinVar variation 242135 (VCV000242135.22), dbSNP rs756025825, ClinGen allele CA7330667.